The following is an entry in ClinVar:

ClinVar aggregate classification (germline): Likely benign (1 of 4 stars; one submission).

Submission:

CeGaT Center for Human Genetics Tuebingen
Classification: Likely benign. Last evaluated: 2026-08-01. Review status: criteria provided, single submitter. Criteria: CeGaT Center For Human Genetics Tuebingen Variant Classification Criteria Version 2. Collection method: clinical testing. Allele origin: germline. Affected: yes. Observed: 4 variant alleles.
Comment: BTBD17: PM2:Supporting, BP4, BP7

NM_001080466.2(BTBD17):c.855C>G (p.Leu285=)

Gene: BTBD17 (BTB domain containing 17; minus strand). Cytogenetic location: 17q25.1.
Variant type: single nucleotide variant.
Coding change: c.855C>G on transcript NM_001080466.2 (MANE Select); coding-DNA position 855, C replaced by G.
Protein change: p.Leu285=; no amino-acid change (leucine 285 retained).
Molecular consequence: synonymous variant.
Genome position (GRCh38, 1-based): chr17:74,357,239, G>C on the plus strand (C>G on the coding strand, the complement: BTBD17 is on the minus strand). VCF-style: chr17-74357239-G-C. GRCh37 (hg19) VCF-style: chr17-72353378-G-C.
Identifiers: ClinVar variation 4084263 (VCV004084263.8).